The following is an entry in ClinVar:

NM_006846.4(SPINK5):c.1438GAA[1] (p.Glu481del)

Gene: SPINK5 (serine peptidase inhibitor Kazal type 5; plus strand). Cytogenetic location: 5q32.
Variant type: Microsatellite.
Coding change: c.1438GAA[1] on transcript NM_006846.4 (MANE Select); one copy of the 3-base unit GAA starting at c.1438; the reference has two copies in a row; one copy, 3 bases deleted.
Protein change: p.Glu481del; deletes glutamic acid 481.
Molecular consequence: inframe deletion.
Genome position (GRCh38, 1-based): chr5:148,104,962-148,104,964, GAA deleted; deleting any 3 consecutive bases within chr5:148,104,957-148,104,964 gives the same sequence; the position shown is the placement nearest the transcript's 3' end. VCF-style (leftmost placement, unchanged base first): chr5-148104956-CAAG-C. GRCh37 (hg19) VCF-style: chr5-147484519-CAAG-C.
Other names: c.1438GAA[1], p.Glu481del (NM_001127698.2, NM_001127699.2); short protein forms E481del.
Identifiers: ClinVar variation 959095 (VCV000959095.10), dbSNP rs1295633163, ClinGen allele CA563522843.

ClinVar aggregate classification (germline): Uncertain significance (1 of 4 stars; one submission).

Conditions:
Ichthyosis linearis circumflexa. Identifiers: MedGen C0265962, MONDO:0043106, HP:0025810.

Submission:

Labcorp Genetics (formerly Invitae), Labcorp
Classification: Uncertain significance for Ichthyosis linearis circumflexa. Last evaluated: 2019-08-20. Review status: criteria provided, single submitter. Criteria: Invitae Variant Classification Sherloc (09022015). Collection method: clinical testing. Allele origin: germline.
Comment: In summary, the available evidence is currently insufficient to determine the role of this variant in disease. Therefore, it has been classified as a Variant of Uncertain Significance. Experimental studies and prediction algorithms are not available or were not evaluated for this variant, and the functional significance of this variant is currently unknown. This variant has not been reported in the literature in individuals with SPINK5-related conditions. This variant is not present in population databases (ExAC no frequency). This variant, c.1441_1443del, results in the deletion of 1 amino acid(s) of the SPINK5 protein (p.Glu481del), but otherwise preserves the integrity of the reading frame.